The following is an entry in ClinVar:

NM_000452.3(SLC10A2):c.241del (p.Leu81fs)

Gene: SLC10A2 (solute carrier family 10 member 2; minus strand). Cytogenetic location: 13q33.1.
Variant type: Deletion.
Coding change: c.241del on transcript NM_000452.3 (MANE Select); coding-DNA position 241, one base deleted (C; older notation c.241delC).
Protein change: p.Leu81fs; shifts the reading frame from leucine 81.
Molecular consequence: frameshift variant.
Genome position (GRCh38, 1-based): chr13:103,066,009, G deleted on the plus strand (C on the coding strand, the reverse complement: SLC10A2 is on the minus strand); the first of 4 consecutive G bases (chr13:103,066,009-103,066,012); deleting any one gives the same sequence. VCF-style (leftmost placement, unchanged base first): chr13-103066008-AG-A. GRCh37 (hg19) VCF-style: chr13-103718358-AG-A.
Other names: short protein forms L81fs.
Identifiers: ClinVar variation 4993502 (VCV004993502.1).

ClinVar aggregate classification (germline): Uncertain significance (1 of 4 stars; one submission).

Conditions:
SLC10A2-related disorder. Also called: SLC10A2-related condition.

Submission:

PreventionGenetics, part of Exact Sciences
Classification: Uncertain significance for SLC10A2-related condition. Last evaluated: 2026-07-21. Review status: criteria provided, single submitter. Criteria: ACMG Guidelines, 2015. Collection method: clinical testing. Allele origin: germline.
Comment: The SLC10A2 c.241delC variant is predicted to result in a frameshift and premature protein termination (p.Leu81Serfs*18). To our knowledge, this variant has not been reported in the literature. This variant is reported in 0.0029% of alleles in individuals of Latino descent in gnomAD. Although we suspect that this variant may be pathogenic, at this time, the clinical significance of this variant is uncertain due to the absence of conclusive functional and genetic evidence.